The following is an entry in ClinVar:

ClinVar aggregate classification (germline): Uncertain significance (1 of 4 stars; one submission).

Allele frequency attached by ClinVar (database versions not stated): gnomAD exomes below 0.00001.
gnomAD v4.1: 1 of 1,614,052 alleles (0.000062%); highest among the groups gnomAD compares: Non-Finnish European, 0.000085%; no homozygotes.

Submission:

GeneDx
Classification: Uncertain significance. Last evaluated: 2019-09-30. Review status: criteria provided, single submitter. Criteria: GeneDx Variant Classification Process June 2021. Collection method: clinical testing. Allele origin: germline. Affected: yes.
Comment: Has not been previously published as pathogenic or benign to our knowledge; Not observed in large population cohorts (Lek et al., 2016); In silico analysis, which includes protein predictors and evolutionary conservation, supports that this variant does not alter protein structure/function; In-silico analysis, which includes splice predictors and evolutionary conservation, is inconclusive as to whether the variant alters gene splicing. In the absence of RNA/functional studies, the actual effect of this sequence change is unknown.

NM_001103.4(ACTN2):c.934A>T (p.Thr312Ser)

Gene: ACTN2 (actinin alpha 2; plus strand). Cytogenetic location: 1q43.
Variant type: single nucleotide variant.
Coding change: c.934A>T on transcript NM_001103.4 (MANE Select); coding-DNA position 934, A replaced by T.
Protein change: p.Thr312Ser; replaces threonine 312 with serine.
Molecular consequence: missense variant.
Genome position (GRCh38, 1-based): chr1:236,739,359, A>T. VCF-style: chr1-236739359-A-T. GRCh37 (hg19) VCF-style: chr1-236902659-A-T.
Other names: c.934A>T, p.Thr312Ser (NM_001278343.2); c.310A>T, p.Thr104Ser (NM_001278344.2); short protein forms T104S, T312S.
Identifiers: ClinVar variation 1320992 (VCV001320992.2), dbSNP rs2102922477, ClinGen allele CA345380148.